The following is an entry in ClinVar:

ClinVar aggregate classification (germline): Uncertain significance (1 of 4 stars; one submission).

gnomAD v4.1: 26 of 1,614,100 alleles (0.0016%); highest among the groups gnomAD compares: African/African-American, 0.033%; no homozygotes.

Submission:

Labcorp Genetics (formerly Invitae), Labcorp
Classification: Uncertain significance. Last evaluated: 2024-11-03. Review status: criteria provided, single submitter. Criteria: Invitae Variant Classification Sherloc (09022015). Collection method: clinical testing. Allele origin: germline.
Comment: This sequence change replaces alanine, which is neutral and non-polar, with aspartic acid, which is acidic and polar, at codon 86 of the KRT74 protein (p.Ala86Asp). This variant is present in population databases (rs369065810, gnomAD 0.03%). This variant has not been reported in the literature in individuals affected with KRT74-related conditions. Invitae Evidence Modeling of protein sequence and biophysical properties (such as structural, functional, and spatial information, amino acid conservation, physicochemical variation, residue mobility, and thermodynamic stability) indicates that this missense variant is not expected to disrupt KRT74 protein function with a negative predictive value of 80%. In summary, the available evidence is currently insufficient to determine the role of this variant in disease. Therefore, it has been classified as a Variant of Uncertain Significance.

NM_175053.4(KRT74):c.257C>A (p.Ala86Asp)

Gene: KRT74 (keratin 74; minus strand). Cytogenetic location: 12q13.13.
Variant type: single nucleotide variant.
Coding change: c.257C>A on transcript NM_175053.4 (MANE Select); coding-DNA position 257, C replaced by A.
Protein change: p.Ala86Asp; replaces alanine 86 with aspartic acid.
Molecular consequence: missense variant.
Genome position (GRCh38, 1-based): chr12:52,573,521, G>T on the plus strand (C>A on the coding strand, the complement: KRT74 is on the minus strand). VCF-style: chr12-52573521-G-T. GRCh37 (hg19) VCF-style: chr12-52967305-G-T.
Other names: short protein forms A86D.
Identifiers: ClinVar variation 3712397 (VCV003712397.2).